The following is an entry in ClinVar:

NM_000552.5(VWF):c.4225G>T (p.Val1409Phe)

Gene: VWF (von Willebrand factor; minus strand). Cytogenetic location: 12p13.31.
Variant type: single nucleotide variant.
Coding change: c.4225G>T on transcript NM_000552.5 (MANE Select); coding-DNA position 4225, G replaced by T.
Protein change: p.Val1409Phe; replaces valine 1409 with phenylalanine.
Molecular consequence: missense variant.
Genome position (GRCh38, 1-based): chr12:6,019,193, C>A on the plus strand (G>T on the coding strand, the complement: VWF is on the minus strand). VCF-style: chr12-6019193-C-A. GRCh37 (hg19) VCF-style: chr12-6128359-C-A.
Other names: NM_000552.5:c.4225G>T; short protein forms V1409F.
Identifiers: ClinVar variation 3393378 (VCV003393378.1).

ClinVar aggregate classification (germline): Likely pathogenic (3 of 4 stars; one submission).

Conditions:
von Willebrand disease type 2M (VWD2M). Identifiers: Orphanet 166090, MedGen C1282974, MONDO:0015630.

Submission:

ClinGen von Willebrand Disease Variant Curation Expert Panel, ClinGen
Classification: Likely pathogenic for von Willebrand disease type 2M. Last evaluated: 2024-08-13. Review status: reviewed by expert panel. Criteria: ClinGen VWD 2A B M Rules. Collection method: curation. Allele origin: germline. Inheritance: Autosomal dominant inheritance.
Comment: The NM_000552.5(VWF):c.4225G>T variant in VWF is a missense variant predicted to cause substitution of valine by phenylalanine at amino acid 1409. This variant has been reported in at least 3 apparently unrelated probands exhibiting a VWD Type 2M phenotype (PMID: 28971901 and PMID: 19404524, PS4_Moderate). The two probands of PMID: 28971901, exhibit excessive mucocutaneous bleeding as well as a laboratory phenotype of normal multimers, low VWF:RCo/VWF:Ag ratio and low collagen binding, which together are specific for VWD type 2M (PP4_Moderate). Low FVIII activity, an inconsistent phenotype, was also reported in these patients. The variant has been reported to segregate with VWD type 2M through at least 2 affected meioses from 2 different families (PP1_Moderate; PMID: 28971901). This variant is absent from gnomAD v4.1 (PM2_Supporting). The computational predictor REVEL gives a score of 0.722, which is above the ClinGen VWD VCEP threshold of >0.644 and predicts a damaging effect on VWF function (PP3). The computational splicing predictor SpliceAI indicates that the variant has no impact on splicing. In summary, this variant meets the criteria to be classified as Likely Pathogenic for von Willebrand disease type 2A. ACMG/AMP criteria applied as specified by the ClinGen von Willebrand disease Variant Curation Expert Panel: PP1_Moderate, PP3, PM2_Supporting, PS4_Moderate, PP4_Moderate.